The following is an entry in ClinVar:

ClinVar aggregate classification (germline): Likely benign (1 of 4 stars; one submission).

Allele frequency attached by ClinVar (database versions not stated): gnomAD exomes below 0.00001.

Submission:

Laboratory for Molecular Medicine, Mass General Brigham Personalized Medicine
Classification: Likely benign. Last evaluated: 2018-11-07. Review status: criteria provided, single submitter. Criteria: LMM Criteria. Collection method: clinical testing. Allele origin: germline. Observed: 1 variant allele.
Comment: The p.Cys274Cys variant in GRXCR1 is classified as likely benign because it does not alter an amino acid residue, it is not located within the splice consensus sequence, and splice prediction algorithms do not predict a newly created splice site. It has been identified in 1/113240 European chromosomes by gnomAD. ACMG/AMP Criteria applied: BP4, BP7, PM2.

NM_001080476.3(GRXCR1):c.822T>C (p.Cys274=)

Gene: GRXCR1 (glutaredoxin and cysteine rich domain containing 1; plus strand). Cytogenetic location: 4p13.
Variant type: single nucleotide variant.
Coding change: c.822T>C on transcript NM_001080476.3 (MANE Select); coding-DNA position 822, T replaced by C.
Protein change: p.Cys274=; no amino-acid change (cysteine 274 retained).
Molecular consequence: synonymous variant.
Genome position (GRCh38, 1-based): chr4:43,030,489, T>C. VCF-style: chr4-43030489-T-C. GRCh37 (hg19) VCF-style: chr4-43032506-T-C.
Identifiers: ClinVar variation 666699 (VCV000666699.4), dbSNP rs1441618706, ClinGen allele CA439192154.